The following is an entry in ClinVar:

ClinVar aggregate classification (germline): Uncertain significance. Review status: criteria provided, multiple submitters, no conflicts (2 of 4 stars). 3 submissions from 3 submitters: Uncertain significance (3). Last evaluated 2024-11-14.

Conditions:
Nephronophthisis 14 (NPHP14). Identifiers: Orphanet 2318, MedGen C3539071, MONDO:0013916, OMIM 614844.

Allele frequency attached by ClinVar (database versions not stated): gnomAD exomes 0.00001; TOPMed 0.00002; gnomAD 0.00003.
gnomAD v4.1: 21 of 1,614,008 alleles (0.0013%); highest among the groups gnomAD compares: East Asian, 0.0022%; no homozygotes.

Submissions (3):

Labcorp Genetics (formerly Invitae), Labcorp
Classification: Uncertain significance for Nephronophthisis 14. Last evaluated: 2024-11-14. Review status: criteria provided, single submitter. Criteria: Invitae Variant Classification Sherloc (09022015). Collection method: clinical testing. Allele origin: germline.
Comment: This sequence change replaces glycine, which is neutral and non-polar, with serine, which is neutral and polar, at codon 126 of the ZNF423 protein (p.Gly126Ser). This variant is present in population databases (no rsID available, gnomAD 0.01%). This variant has not been reported in the literature in individuals affected with ZNF423-related conditions. ClinVar contains an entry for this variant (Variation ID: 2885077). An algorithm developed to predict the effect of missense changes on protein structure and function (PolyPhen-2) suggests that this variant is likely to be disruptive. In summary, the available evidence is currently insufficient to determine the role of this variant in disease. Therefore, it has been classified as a Variant of Uncertain Significance.

Ambry Genetics
Classification: Uncertain significance. Last evaluated: 2024-05-24. Review status: criteria provided, single submitter. Criteria: Ambry Variant Classification Scheme 2023. Collection method: clinical testing. Allele origin: germline.

Blueprint Genetics
Classification: Uncertain significance. Last evaluated: 2022-09-02. Review status: criteria provided, single submitter. Criteria: ACMG Guidelines, 2015. Collection method: clinical testing. Allele origin: germline.

NM_001379286.1(ZNF423):c.400G>A (p.Gly134Ser)

Gene: ZNF423 (zinc finger protein 423; minus strand). Cytogenetic location: 16q12.1.
Variant type: single nucleotide variant.
Coding change: c.400G>A on transcript NM_001379286.1 (MANE Select); coding-DNA position 400, G replaced by A.
Protein change: p.Gly134Ser; replaces glycine 134 with serine.
Molecular consequence: missense variant.
Genome position (GRCh38, 1-based): chr16:49,638,776, C>T on the plus strand (G>A on the coding strand, the complement: ZNF423 is on the minus strand). VCF-style: chr16-49638776-C-T. GRCh37 (hg19) VCF-style: chr16-49672687-C-T.
Other names: c.376G>A (NM_015069.2); c.196G>A, p.Gly66Ser (NM_001271620.2); c.25G>A, p.Gly9Ser (NM_001330533.2); c.376G>A, p.Gly126Ser (NM_015069.5); short protein forms G126S, G134S, G66S, G9S.
Identifiers: ClinVar variation 2885077 (VCV002885077.5), dbSNP rs915320027, ClinGen allele CA281213778.